The following is an entry in ClinVar:

NM_000124.4(ERCC6):c.4427T>C (p.Phe1476Ser)

Gene: ERCC6 (ERCC excision repair 6, chromatin remodeling factor; minus strand). Cytogenetic location: 10q11.23.
Variant type: single nucleotide variant.
Coding change: c.4427T>C on transcript NM_000124.4 (MANE Select); coding-DNA position 4427, T replaced by C.
Protein change: p.Phe1476Ser; replaces phenylalanine 1476 with serine.
Molecular consequence: missense variant.
Genome position (GRCh38, 1-based): chr10:49,458,870, A>G on the plus strand (T>C on the coding strand, the complement: ERCC6 is on the minus strand). VCF-style: chr10-49458870-A-G. GRCh37 (hg19) VCF-style: chr10-50666916-A-G.
Other names: c.4427T>C, p.Phe1476Ser (NM_001346440.2); short protein forms F1476S.
Identifiers: ClinVar variation 2188169 (VCV002188169.4), dbSNP rs2495942533, ClinGen allele CA376702941.
Genomic context (GRCh38, chr10:49,458,870, plus strand): 5'-GTTGTTTAGCAGTATTCTGGCTTGAGTTTCCAAATTCCTTCACCACCAGAAGTTCTATGG[A>G]AAGTGCACAGATTTCTCAATAGTTCTCGGAAGACACAAGACTGTGATGCAGATAACTTGG-3'
Protein context (NP_000115.1, residues 1466-1486): FRELLRNLCT[Phe1476Ser]HRTSGGEGIW

ClinVar aggregate classification (germline): Uncertain significance (1 of 4 stars; one submission).

Allele frequency attached by ClinVar (database versions not stated): gnomAD exomes below 0.00001.
gnomAD v4.1: 1 of 1,614,226 alleles (0.000062%); highest among the groups gnomAD compares: Non-Finnish European, 0.000085%; no homozygotes.

Submission:

Labcorp Genetics (formerly Invitae), Labcorp
Classification: Uncertain significance. Last evaluated: 2025-12-01. Review status: criteria provided, single submitter. Criteria: Invitae Variant Classification Sherloc (09022015). Collection method: clinical testing. Allele origin: germline.
Comment: This sequence change replaces phenylalanine, which is neutral and non-polar, with serine, which is neutral and polar, at codon 1476 of the ERCC6 protein (p.Phe1476Ser). This variant is not present in population databases (gnomAD no frequency). This variant has not been reported in the literature in individuals affected with ERCC6-related conditions. ClinVar contains an entry for this variant (Variation ID: 2188169). Invitae Evidence Modeling of protein sequence and biophysical properties (such as structural, functional, and spatial information, amino acid conservation, physicochemical variation, residue mobility, and thermodynamic stability) has been performed for this missense variant. However, the output from this modeling did not meet the statistical confidence thresholds required to predict the impact of this variant on ERCC6 protein function. In summary, the available evidence is currently insufficient to determine the role of this variant in disease. Therefore, it has been classified as a Variant of Uncertain Significance.